The following is an entry in ClinVar:

NM_001142800.2(EYS):c.4985A>T (p.Asp1662Val)

Gene: EYS (EGF-like photoreceptor maintenance factor; minus strand). Cytogenetic location: 6q12.
Variant type: single nucleotide variant.
Coding change: c.4985A>T on transcript NM_001142800.2 (MANE Select); coding-DNA position 4985, A replaced by T.
Protein change: p.Asp1662Val; replaces aspartic acid 1662 with valine.
Molecular consequence: missense variant.
Genome position (GRCh38, 1-based): chr6:64,590,882, T>A on the plus strand (A>T on the coding strand, the complement: EYS is on the minus strand). VCF-style: chr6-64590882-T-A. GRCh37 (hg19) VCF-style: chr6-65300775-T-A.
Other names: c.4985A>T, p.Asp1662Val (NM_001292009.2); short protein forms D1662V.
Identifiers: ClinVar variation 167051 (VCV000167051.65), dbSNP rs147641443, ClinGen allele CA180014.

ClinVar aggregate classification (germline): Conflicting classifications of pathogenicity. Review status: criteria provided, conflicting classifications (1 of 4 stars). 12 submissions from 12 submitters: Uncertain significance (3); Likely benign (5). 4 of the submissions do not count toward it. Last evaluated 2026-02-02.

Conditions:
EYS-related disorder. Also called: EYS-related condition.
Retinal dystrophy. Also called: Inherited retinal dystrophy. Identifiers: Orphanet 71862, MedGen C0854723, MeSH D058499, MONDO:0019118, HP:0000556.
Retinitis pigmentosa (RP). Identifiers: Orphanet 791, MedGen C0035334, MeSH D012174, MONDO:0019200, OMIM 268000. Inheritance: Autosomal dominant, autosomal recessive and X linked inheritance.
Retinitis pigmentosa 25 (RP25). Identifiers: Orphanet 791, MedGen C1864446, MONDO:0011272, OMIM 602772.

Allele frequency attached by ClinVar (database versions not stated): TOPMed 0.00201; ESP Exome Variant Server 0.00372; 1000 Genomes Project 0.00080; 1000 Genomes Project 30x 0.00109; gnomAD 0.00191 and 0.00192; ExAC 0.00202.
gnomAD v4.1: 4,834 of 1,550,648 alleles (0.31%); highest among the groups gnomAD compares: Non-Finnish European, 0.36%; 10 homozygotes.

Submissions (12):

Labcorp Genetics (formerly Invitae), Labcorp
Classification: Likely benign. Last evaluated: 2026-02-02. Review status: criteria provided, single submitter. Criteria: Invitae Variant Classification Sherloc (09022015). Collection method: clinical testing. Allele origin: germline.

Blueprint Genetics
Classification: Likely benign. Last evaluated: 2024-10-18. Review status: criteria provided, single submitter. Criteria: ACMG Guidelines, 2015. Collection method: clinical testing. Allele origin: germline.

Dept Of Ophthalmology, Nagoya University
Classification: Uncertain significance for Retinal dystrophy. Last evaluated: 2023-10-01. Review status: criteria provided, single submitter. Criteria: Submitter's publication. Collection method: research. Allele origin: germline. Affected: yes.

Genome-Nilou Lab
Classification: Likely benign for Retinitis pigmentosa 25. Last evaluated: 2021-05-18. Review status: criteria provided, single submitter. Criteria: ACMG Guidelines, 2015. Collection method: clinical testing. Allele origin: germline. Affected: no.

CeGaT Center for Human Genetics Tuebingen
Classification: Uncertain significance. Last evaluated: 2017-07-01. Review status: criteria provided, single submitter. Criteria: CeGaT Center For Human Genetics Tuebingen Variant Classification Criteria Version 2. Collection method: clinical testing. Allele origin: germline. Affected: yes. Observed: 1 variant allele.

Illumina Laboratory Services, Illumina
Classification: Uncertain significance for Retinitis pigmentosa. Last evaluated: 2017-04-27. Review status: criteria provided, single submitter. Criteria: ICSL Variant Classification Criteria 13 December 2019. Collection method: clinical testing. Allele origin: germline.

Clinical Genetics DNA and cytogenetics Diagnostics Lab, Erasmus MC, Erasmus Medical Center
Classification: Likely benign for Retinitis pigmentosa 25. Last evaluated: 2015-09-28. Review status: criteria provided, single submitter. Criteria: ACGS Guidelines, 2013. Collection method: clinical testing. Allele origin: germline. Affected: yes. Study: VKGL Data-share Consensus.

Eurofins Ntd Llc (ga)
Classification: Likely benign. Last evaluated: 2014-05-02. Review status: criteria provided, single submitter. Criteria: EGL Classification Definitions 2015. Collection method: clinical testing. Allele origin: germline. Observed: 1 variant allele, 1 heterozygote.

PreventionGenetics, part of Exact Sciences
Classification: Likely benign for EYS-related condition. Last evaluated: 2020-12-16. Review status: no assertion criteria provided. Collection method: clinical testing. Allele origin: germline. Not counted in ClinVar's aggregate classification.
Comment: This variant is classified as likely benign based on ACMG/AMP sequence variant interpretation guidelines (Richards et al. 2015 PMID: 25741868, with internal and published modifications).

Natera, Inc.
Classification: Likely benign for Retinitis pigmentosa. Last evaluated: 2020-01-05. Review status: no assertion criteria provided. Collection method: clinical testing. Allele origin: germline. Not counted in ClinVar's aggregate classification.

Clinical Genetics, Academic Medical Center
Classification: Benign. Review status: no assertion criteria provided. Collection method: clinical testing. Allele origin: germline. Affected: yes. Study: VKGL Data-share Consensus. Not counted in ClinVar's aggregate classification.

Department of Pathology and Laboratory Medicine, Sinai Health System
Classification: Likely benign. Review status: no assertion criteria provided. Collection method: clinical testing. Allele origin: unknown. Affected: yes. Study: The Canadian Open Genetics Repository (COGR). Not counted in ClinVar's aggregate classification.
Comment: The EYS p.Asp1662Val variant was not identified in the literature but was identified in dbSNP (ID: rs147641443), ClinVar (classified as likely benign by EGL Genetics and DNA and Cytogenetics Diagnostics Unit, Erasmus Medical Center and as a VUS by CeGaT Praxis fuer Humangenetik Tuebingen) and LOVD 3.0 (classified as likely benign and benign). The variant was also identified in control databases in 390 of 183042 chromosomes (1 homozygous) at a frequency of 0.002131 increasing the likelihood this could be a low frequency benign variant (Genome Aggregation Database Feb 27, 2017). The variant was observed in the following populations: European (Finnish) in 65 of 18416 chromosomes (freq: 0.00353), European (non-Finnish) in 205 of 73290 chromosomes (freq: 0.002797), Other in 14 of 5366 chromosomes (freq: 0.002609), Latino in 51 of 25484 chromosomes (freq: 0.002001), South Asian in 40 of 22754 chromosomes (freq: 0.001758), African in 13 of 16570 chromosomes (freq: 0.000785) and East Asian in 2 of 12444 chromosomes (freq: 0.000161), but was not observed in the Ashkenazi Jewish population. The p.Asp1662 residue is not conserved in mammals and four out of five computational analyses (PolyPhen-2, SIFT, AlignGVGD, BLOSUM, MutationTaster) do not suggest a high likelihood of impact to the protein; however, this information is not predictive enough to rule out pathogenicity. The variant occurs outside of the splicing consensus sequence and two of four in silico or computational prediction software programs (SpliceSiteFinder, MaxEntScan, NNSPLICE, GeneSplicer) predict a greater than 10% difference in splicing; this is not very predictive of pathogenicity. In summary, based on the above information the clinical significance of this variant cannot be determined with certainty at this time although we would lean towards a more benign role for this variant. This variant is classified as likely benign.